The following is an entry in ClinVar:

ClinVar aggregate classification (germline): Pathogenic (1 of 4 stars; one submission).

Conditions:
Parkinsonian-pyramidal syndrome. Also called: PARKINSON DISEASE 15, AUTOSOMAL RECESSIVE; PARKINSON DISEASE 15, AUTOSOMAL RECESSIVE EARLY-ONSET; PALLIDOPYRAMIDAL SYNDROME. Identifiers: Orphanet 171695, MedGen C1850100, MONDO:0009830, OMIM 260300.

Submission:

Labcorp Genetics (formerly Invitae), Labcorp
Classification: Pathogenic for Parkinsonian-pyramidal syndrome. Last evaluated: 2023-11-15. Review status: criteria provided, single submitter. Criteria: Invitae Variant Classification Sherloc (09022015). Collection method: clinical testing. Allele origin: germline.
Comment: This sequence change affects the initiator methionine of the FBXO7 mRNA. The next in-frame methionine is located at codon 115. This variant is present in population databases (rs753392528, gnomAD 0.005%). This variant has not been reported in the literature in individuals affected with FBXO7-related conditions. This variant disrupts a region of the FBXO7 protein in which other variant(s) (p.Thr22Met) have been determined to be pathogenic (PMID: 19038853, 21347293, 23933751, 26310625). This suggests that this is a clinically significant region of the protein, and that variants that disrupt it are likely to be disease-causing. For these reasons, this variant has been classified as Pathogenic.

Literature cited by the submitters: PubMed 19038853; PubMed 21347293; PubMed 23933751; PubMed 26310625.

NM_012179.4(FBXO7):c.1A>C (p.Met1Leu)

Gene: FBXO7 (F-box protein 7; plus strand). Cytogenetic location: 22q12.3.
Variant type: single nucleotide variant.
Coding change: c.1A>C on transcript NM_012179.4 (MANE Select); coding-DNA position 1, A replaced by C.
Protein change: p.Met1Leu; changes the start codon (methionine 1).
Molecular consequence: missense variant, initiator codon variant.
Genome position (GRCh38, 1-based): chr22:32,475,003, A>C. VCF-style: chr22-32475003-A-C. GRCh37 (hg19) VCF-style: chr22-32870990-A-C.
Other names: short protein forms M1L.
Identifiers: ClinVar variation 2887235 (VCV002887235.3), dbSNP rs753392528, ClinGen allele CA10201289.